The following is an entry in ClinVar:

ClinVar aggregate classification (germline): Pathogenic (1 of 4 stars; one submission).

Conditions:
Familial thoracic aortic aneurysm and aortic dissection (TAAD). Also called: Thoracic aortic aneurysms and dissections. Identifiers: Orphanet 91387, MedGen C4707243, MONDO:0019625.
Marfan syndrome (MFS). Also called: FBN1-Related Marfan Syndrome; Marfan's syndrome; MARFAN SYNDROME, TYPE I; Marfan syndrome type 1; Marfan syndrome, classic. Identifiers: Orphanet 284963, Orphanet 558, MedGen C0024796, MONDO:0007947, OMIM 154700.

Submission:

Labcorp Genetics (formerly Invitae), Labcorp
Classification: Pathogenic for Marfan syndrome; Familial thoracic aortic aneurysm and aortic dissection. Last evaluated: 2024-04-18. Review status: criteria provided, single submitter. Criteria: Invitae Variant Classification Sherloc (09022015). Collection method: clinical testing. Allele origin: germline.
Comment: This sequence change creates a premature translational stop signal (p.Tyr2280Ilefs*11) in the FBN1 gene. It is expected to result in an absent or disrupted protein product. Loss-of-function variants in FBN1 are known to be pathogenic (PMID: 17657824, 19293843). This variant is not present in population databases (gnomAD no frequency). This premature translational stop signal has been observed in individual(s) with clinical features of Marfan syndrome (PMID: 21907952). ClinVar contains an entry for this variant (Variation ID: 862646). For these reasons, this variant has been classified as Pathogenic.

Literature cited by the submitters: PubMed 17657824; PubMed 19293843; PubMed 21907952.

NM_000138.5(FBN1):c.6837del (p.Tyr2280fs)

Gene: FBN1 (fibrillin 1; minus strand). Cytogenetic location: 15q21.1.
Variant type: Deletion.
Coding change: c.6837del on transcript NM_000138.5 (MANE Select); coding-DNA position 6837, one base deleted (G; older notation c.6837delG).
Protein change: p.Tyr2280fs; shifts the reading frame from tyrosine 2280.
Molecular consequence: frameshift variant.
Genome position (GRCh38, 1-based): chr15:48,430,705, C deleted on the plus strand (G on the coding strand, the reverse complement: FBN1 is on the minus strand); the first of 3 consecutive C bases (chr15:48,430,705-48,430,707); deleting any one gives the same sequence. VCF-style (leftmost placement, unchanged base first): chr15-48430704-AC-A. GRCh37 (hg19) VCF-style: chr15-48722901-AC-A.
Other names: short protein forms Y2280fs.
Identifiers: ClinVar variation 862646 (VCV000862646.9), dbSNP rs2043017030, ClinGen allele CA916082408.